The following is an entry in ClinVar:

NM_001127222.2(CACNA1A):c.6658_6659insACC (p.His2219dup)

Gene: CACNA1A (calcium voltage-gated channel subunit alpha1 A; minus strand). Cytogenetic location: 19p13.13.
Variant type: Insertion.
Coding change: c.6658_6659insACC on transcript NM_001127222.2 (MANE Select); coding-DNA positions 6658 to 6659, ACC inserted.
Protein change: p.His2219dup; duplicates histidine 2219.
Molecular consequence: inframe insertion.
Genome position: GRCh38 VCF-style: chr19-13208877-G-GGGT. GRCh37 (hg19) VCF-style: chr19-13319691-G-GGGT.
Other names: p.His2220dup; c.6676_6677insACC, p.His2225dup (NM_000068.4, NM_023035.3); c.6661_6662insACC, p.His2220dup (NM_001127221.2); c.6667_6668insACC, p.His2222dup (NM_001174080.2); c.6658_6659insACC (NM_001127222.1).
Identifiers: ClinVar variation 210557 (VCV000210557.61), dbSNP rs768950814, ClinGen allele CA209419.

ClinVar aggregate classification (germline): Conflicting classifications of pathogenicity. Review status: criteria provided, conflicting classifications (1 of 4 stars). 14 submissions from 14 submitters: Uncertain significance (1); Benign (6); Likely benign (3). 4 of the submissions do not count toward it. Last evaluated 2026-02-02.

Conditions:
CACNA1A-related disorder. Also called: CACNA1A-related condition.
Episodic ataxia type 2 (EA2). Also called: ATAXIA, EPISODIC, WITH NYSTAGMUS; ATAXIA, FAMILIAL PAROXYSMAL; CEREBELLAR ATAXIA, PAROXYSMAL, ACETAZOLAMIDE-RESPONSIVE; CEREBELLOPATHY, HEREDITARY PAROXYSMAL; EPISODIC ATAXIA, NYSTAGMUS-ASSOCIATED; ACETAZOLAMIDE-RESPONSIVE HEREDITARY PAROXYSMAL CEREBELLAR ATAXIA. Identifiers: Orphanet 97, MedGen C1720416, MONDO:0007163, OMIM 108500.
Developmental and epileptic encephalopathy, 42 (DEE42A). Also called: Epileptic encephalopathy, early infantile, 42; DEVELOPMENTAL AND EPILEPTIC ENCEPHALOPATHY 42A; EPILEPTIC ENCEPHALOPATHY, EARLY INFANTILE, 42A. Identifiers: MedGen C4310716, MONDO:0014917, OMIM 617106.
Inborn genetic diseases. Identifiers: MedGen C0950123, MeSH D030342.

Submissions (14):

Labcorp Genetics (formerly Invitae), Labcorp
Classification: Benign for Developmental and epileptic encephalopathy, 42; Episodic ataxia type 2. Last evaluated: 2026-02-02. Review status: criteria provided, single submitter. Criteria: Invitae Variant Classification Sherloc (09022015). Collection method: clinical testing. Allele origin: germline.

Women's Health and Genetics/Laboratory Corporation of America, LabCorp
Classification: Likely benign. Last evaluated: 2025-12-09. Review status: criteria provided, single submitter. Criteria: LabCorp Variant Classification Summary - May 2015. Collection method: clinical testing. Allele origin: germline.

Blueprint Genetics
Classification: Likely benign. Last evaluated: 2024-11-26. Review status: criteria provided, single submitter. Criteria: ACMG Guidelines, 2015. Collection method: clinical testing. Allele origin: germline.

CeGaT Center for Human Genetics Tuebingen
Classification: Benign. Last evaluated: 2024-07-01. Review status: criteria provided, single submitter. Criteria: CeGaT Center For Human Genetics Tuebingen Variant Classification Criteria Version 2. Collection method: clinical testing. Allele origin: germline. Affected: yes. Observed: 17 variant alleles.
Comment: CACNA1A: PM4:Supporting, BS1, BS2

Mayo Clinic Laboratories, Mayo Clinic
Classification: Benign. Last evaluated: 2023-05-30. Review status: criteria provided, single submitter. Criteria: ACMG Guidelines, 2015. Collection method: clinical testing. Allele origin: germline. Observed: 22 variant alleles.
Comment: BS1, BS2

Eurofins Ntd Llc (ga)
Classification: Benign. Last evaluated: 2018-03-01. Review status: criteria provided, single submitter. Criteria: EGL ClinVar v180209 classification definitions. Collection method: clinical testing. Allele origin: germline. Observed: 2 variant alleles, 2 heterozygotes.

Center for Pediatric Genomic Medicine, Children's Mercy Hospital and Clinics
Classification: Likely benign. Last evaluated: 2017-02-13. Review status: criteria provided, single submitter. Criteria: ACMG Guidelines, 2015. Collection method: clinical testing. Allele origin: germline.
ClinVar note: Converted during submission from Likely Benign to Likely benign.

Ambry Genetics
Classification: Benign for Inborn genetic diseases. Last evaluated: 2016-07-07. Review status: criteria provided, single submitter. Criteria: Ambry Variant Classification Scheme 2023. Collection method: clinical testing. Allele origin: germline.

GeneDx
Classification: Benign. Last evaluated: 2016-01-29. Review status: criteria provided, single submitter. Criteria: GeneDx Variant Classification Process June 2021. Collection method: clinical testing. Allele origin: germline. Affected: yes.

Genetic Services Laboratory, University of Chicago
Classification: Uncertain significance. Last evaluated: 2014-06-27. Review status: criteria provided, single submitter. Criteria: ACMG Guidelines, 2015. Collection method: clinical testing. Allele origin: germline.

PreventionGenetics, part of Exact Sciences
Classification: Benign for CACNA1A-related condition. Last evaluated: 2024-07-01. Review status: no assertion criteria provided. Collection method: clinical testing. Allele origin: germline. Not counted in ClinVar's aggregate classification.
Comment: This variant is classified as benign based on ACMG/AMP sequence variant interpretation guidelines (Richards et al. 2015 PMID: 25741868, with internal and published modifications).

Clinical Genetics DNA and cytogenetics Diagnostics Lab, Erasmus MC, Erasmus Medical Center
Classification: Benign. Review status: no assertion criteria provided. Collection method: clinical testing. Allele origin: germline. Affected: yes. Study: VKGL Data-share Consensus. Not counted in ClinVar's aggregate classification.

Genome Diagnostics Laboratory, University Medical Center Utrecht
Classification: Likely benign. Review status: no assertion criteria provided. Collection method: clinical testing. Allele origin: germline. Affected: yes. Study: VKGL Data-share Consensus. Not counted in ClinVar's aggregate classification.

Laboratory of Diagnostic Genome Analysis, Leiden University Medical Center (LUMC)
Classification: Benign. Review status: no assertion criteria provided. Collection method: clinical testing. Allele origin: germline. Affected: yes. Study: VKGL Data-share Consensus. Not counted in ClinVar's aggregate classification.